The following is an entry in ClinVar:

ClinVar aggregate classification (germline): Uncertain significance (1 of 4 stars; one submission).

gnomAD v4.1: 5 of 1,606,474 alleles (0.00031%); highest among the groups gnomAD compares: East Asian, 0.0022%; no homozygotes.

Submission:

GeneDx
Classification: Uncertain significance. Last evaluated: 2023-11-06. Review status: criteria provided, single submitter. Criteria: GeneDx Variant Classification Process June 2021. Collection method: clinical testing. Allele origin: germline. Affected: yes.
Comment: Not observed at significant frequency in large population cohorts (gnomAD); In silico analysis supports that this missense variant does not alter protein structure/function; Has not been previously published as pathogenic or benign to our knowledge

NM_018896.5(CACNA1G):c.5894C>T (p.Ser1965Phe)

Gene: CACNA1G (calcium voltage-gated channel subunit alpha1 G; plus strand). Cytogenetic location: 17q21.33.
Variant type: single nucleotide variant.
Coding change: c.5894C>T on transcript NM_018896.5 (MANE Select); coding-DNA position 5894, C replaced by T.
Protein change: p.Ser1965Phe; replaces serine 1965 with phenylalanine.
Molecular consequence: missense variant. On other transcripts: intron variant (20).
Genome position (GRCh38, 1-based): chr17:50,619,795, C>T. VCF-style: chr17-50619795-C-T. GRCh37 (hg19) VCF-style: chr17-48697156-C-T.
Other names: c.5700+787C>T (NM_001256359.2); c.5646+787C>T (NM_001256330.2); c.5679+787C>T (NM_001256329.2, NM_198387.3, NM_198376.3); c.5625+787C>T (NM_001256331.2); c.5712+787C>T (NM_198383.3, NM_198382.3); c.5658+787C>T (NM_198388.3); c.5610+787C>T (NM_001256332.2); c.5840C>T, p.Ser1947Phe (NM_001256324.2); and 12 more; short protein forms S1920F, S1931F, S1947F, S1954F, S1965F.
Identifiers: ClinVar variation 3363992 (VCV003363992.1).
Genomic context (GRCh38, chr17:50,619,795, plus strand): 5'-GGGAGCTGAAGCTGATGGACGAGCTGGCAGGCCCAGGGGGCCAGCCCTCTGCCTTCCCTT[C>T]TGCCCCCAGCCTGGGAGGCTCCGACCCACAGGTTACTGTGCCCCTGTGCTGTGCCCTCTC-3'
Protein context (NP_061496.2, residues 1955-1975): GPGGQPSAFP[Ser1965Phe]APSLGGSDPQ